The following is an entry in ClinVar:

NM_007294.4(BRCA1):c.5193+2T>C

Gene: BRCA1 (BRCA1 DNA repair associated; minus strand). Cytogenetic location: 17q21.31.
Variant type: single nucleotide variant.
Coding change: c.5193+2T>C on transcript NM_007294.4 (MANE Select); the canonical splice donor site of the intron after coding-DNA position 5193, T replaced by C.
Molecular consequence: splice donor variant.
Genome position (GRCh38, 1-based): chr17:43,063,331, A>G on the plus strand (T>C on the coding strand, the complement: BRCA1 is on the minus strand). VCF-style: chr17-43063331-A-G. GRCh37 (hg19) VCF-style: chr17-41215348-A-G.
Other names: c.1758+2T>C (NM_001408432.1, NM_001408443.1, NM_001408439.1 and 10 more transcripts); c.5064+2T>C (NM_001407689.1, NM_001407681.1, NM_001407687.1 and 6 more transcripts); c.5067+2T>C (NM_001407670.1, NM_001407675.1, NM_001407680.1 and 10 more transcripts); c.1761+2T>C (NM_001408431.1, NM_001408425.1, NM_001408427.1 and 4 more transcripts); c.1764+2T>C (NM_001408424.1, NM_001408421.1, NM_001408422.1 and 1 more transcripts); c.1875+2T>C (NM_001408407.1, NM_001408406.1, NM_001408408.1); c.1878+2T>C (NM_001408402.1, NM_001408473.1, NM_001408399.1 and 8 more transcripts); c.1881+2T>C (NM_001407984.1, NM_001407991.1, NM_001407983.1 and 12 more transcripts); and 72 more.
Identifiers: ClinVar variation 868128 (VCV000868128.3), dbSNP rs886040915, ClinGen allele CA10591152.

Conditions:
Breast-ovarian cancer, familial, susceptibility to, 1 (BROVCA1). Also called: BRCA1 Hereditary Breast and Ovarian Cancer; OVARIAN CANCER, SUSCEPTIBILITY TO. Identifiers: Orphanet 145, MedGen C2676676, MONDO:0011450, OMIM 604370. Disease mechanism: loss of function.

Submission:

Brotman Baty Institute, University of Washington
No classification provided (evidence only). Condition: Breast-ovarian cancer, familial 1. Review status: no classification provided. Collection method: in vitro. Allele origin: not applicable. Functional consequence: functionally_normal.
ClinVar note: "not provided" was previously submitted as the classification for the variant. However, the classification appeared to be based only on an observation of functional data so it was converted to no classification on 2025-07-30.